The following is an entry in ClinVar:

NM_001184880.2(PCDH19):c.1134del (p.Gly379fs)

Gene: PCDH19 (protocadherin 19; minus strand). Cytogenetic location: Xq22.1.
Variant type: Deletion.
Coding change: c.1134del on transcript NM_001184880.2 (MANE Select); coding-DNA position 1134, one base deleted (A; older notation c.1134delA).
Protein change: p.Gly379fs; shifts the reading frame from glycine 379.
Molecular consequence: frameshift variant.
Genome position (GRCh38, 1-based): chrX:100,407,464, T deleted on the plus strand (A on the coding strand, the reverse complement: PCDH19 is on the minus strand). VCF-style (leftmost placement, unchanged base first): chrX-100407463-CT-C. GRCh37 (hg19) VCF-style: chrX-99662461-CT-C.
Other names: c.1134del, p.Gly379fs (NM_001105243.2, NM_020766.3); short protein forms G379fs.
Identifiers: ClinVar variation 206354 (VCV000206354.1), dbSNP rs796052830, ClinGen allele CA316403.

ClinVar aggregate classification (germline): Pathogenic (1 of 4 stars; one submission).

Submission:

GeneDx
Classification: Pathogenic. Last evaluated: 2012-10-31. Review status: criteria provided, single submitter. Criteria: GeneDx Variant Classification (06012015). Collection method: clinical testing. Allele origin: germline. Affected: yes.
Comment: This variant is denoted c.1134delA: p.Gly379AlafsX190 (G379AfsX190) in exon 1 of the PCDH19 gene (NM_001105243.1). The normal sequence with the base that is deleted in braces is: ACTC{A}GGCCT. The c.1134delA mutation in the PCDH19 gene causes a frameshift starting with codon Glycine 379, changes this amino acid to an Alanine residue and creates a premature Stop codon at position 190 of the new reading frame, denoted p.Gly379AlafsX190. This mutation is predicted to cause loss of normal protein function either through protein truncation or nonsense-mediated mRNA decay. Although this mutation has not been previously reported to our knowledge, many other frameshift mutations have been reported in the PCDH19 gene. Therefore, the presence of c.1134delA is consistent with a diagnosis of a PCDH19-related disorder. The variant is found in EPILEPSY panel(s).